The following is an entry in ClinVar:

ClinVar aggregate classification (germline): Likely benign. Review status: criteria provided, multiple submitters, no conflicts (2 of 4 stars). 2 submissions from 2 submitters: Likely benign (2). Last evaluated 2025-04-27.

Conditions:
RYR1-related disorder. Also called: RYR1-related condition; RYR1-related disorders. Identifiers: MedGen CN239331.

Allele frequency attached by ClinVar (database versions not stated): gnomAD exomes below 0.00001 and 0.00001; TOPMed 0.00001.
gnomAD v4.1: 11 of 1,614,094 alleles (0.00068%); highest among the groups gnomAD compares: Non-Finnish European, 0.00076%; 1 homozygote.

Submissions (2):

Labcorp Genetics (formerly Invitae), Labcorp
Classification: Likely benign for RYR1-related disorder. Last evaluated: 2025-04-27. Review status: criteria provided, single submitter. Criteria: Invitae Variant Classification Sherloc (09022015). Collection method: clinical testing. Allele origin: germline.

GeneDx
Classification: Likely benign. Last evaluated: 2017-03-24. Review status: criteria provided, single submitter. Criteria: GeneDx Variant Classification (06012015). Collection method: clinical testing. Allele origin: germline. Affected: yes.
Comment: This variant is considered likely benign or benign based on one or more of the following criteria: it is a conservative change, it occurs at a poorly conserved position in the protein, it is predicted to be benign by multiple in silico algorithms, and/or has population frequency not consistent with disease.

NM_000540.3(RYR1):c.14365-16C>T

Gene: RYR1 (ryanodine receptor 1; plus strand). Cytogenetic location: 19q13.2.
Variant type: single nucleotide variant.
Coding change: c.14365-16C>T on transcript NM_000540.3 (MANE Select); 16 bases into the intron before coding-DNA position 14365, C replaced by T.
Molecular consequence: intron variant.
Genome position (GRCh38, 1-based): chr19:38,579,966, C>T. VCF-style: chr19-38579966-C-T. GRCh37 (hg19) VCF-style: chr19-39070606-C-T.
Other names: c.14350-16C>T (NM_001042723.2).
Identifiers: ClinVar variation 508296 (VCV000508296.4), dbSNP rs1404378284, ClinGen allele CA632876992.
Genomic context (GRCh38, chr19:38,579,966, plus strand): 5'-GAGTGGCCCCTACCCTCCAGAGTGCTCCTCGTGTGTCCCTGCCTTCCCCCTGACCCCTGG[C>T]CCTGTGTGCCCACAGTCCTTCCTGTACCTGGGCTGGTATATGGTGATGTCCCTCTTGGGA-3'